The following is an entry in ClinVar:

ClinVar aggregate classification (germline): Likely benign (0 of 4 stars; one submission).

Conditions:
THOC6-related disorder. Also called: THOC6-related condition.

Allele frequency attached by ClinVar (database versions not stated): gnomAD 0.00011; TOPMed 0.00011; ESP Exome Variant Server 0.00038.

Submission:

PreventionGenetics, part of Exact Sciences
Classification: Likely benign for THOC6-related condition. Last evaluated: 2019-04-12. Review status: no assertion criteria provided. Collection method: clinical testing. Allele origin: germline.
Comment: This variant is classified as likely benign based on ACMG/AMP sequence variant interpretation guidelines (Richards et al. 2015 PMID: 25741868, with internal and published modifications).

NM_024339.5(THOC6):c.865C>T (p.Leu289=)

Gene: THOC6 (THO complex subunit 6; plus strand). Cytogenetic location: 16p13.3.
Variant type: single nucleotide variant.
Coding change: c.865C>T on transcript NM_024339.5 (MANE Select); coding-DNA position 865, C replaced by T.
Protein change: p.Leu289=; no amino-acid change (leucine 289 retained).
Molecular consequence: synonymous variant. On other transcripts: intron variant (1).
Genome position (GRCh38, 1-based): chr16:3,027,420, C>T. VCF-style: chr16-3027420-C-T. GRCh37 (hg19) VCF-style: chr16-3077421-C-T.
Other names: c.810+140C>T (NM_001142350.3); c.793C>T, p.Leu265= (NM_001347703.2); c.865C>T, p.Leu289= (NM_001347704.2).
Identifiers: ClinVar variation 3035559 (VCV003035559.2), dbSNP rs144446793, ClinGen allele CA7855213.